The following is an entry in ClinVar:

ClinVar aggregate classification (germline): Uncertain significance (1 of 4 stars; one submission).

gnomAD v4.1: 2 of 1,613,540 alleles (0.00012%); no homozygotes.

Submission:

Women's Health and Genetics/Laboratory Corporation of America, LabCorp
Classification: Uncertain significance. Last evaluated: 2025-02-20. Review status: criteria provided, single submitter. Criteria: LabCorp Variant Classification Summary - May 2015. Collection method: clinical testing. Allele origin: germline.
Comment: Variant summary: FBXO11 c.1819A>G (p.Ile607Val) results in a conservative amino acid change in the encoded protein sequence. Three of four in-silico tools predict a benign effect of the variant on protein function. The variant was absent in 251216 control chromosomes (gnomAD). The available data on variant occurrences in the general population are insufficient to allow any conclusion about variant significance. To our knowledge, no occurrence of c.1819A>G in individuals affected with Intellectual Developmental Disorder With Dysmorphic Facies And Behavioral Abnormalities and no experimental evidence demonstrating its impact on protein function have been reported. No submitters have cited clinical-significance assessments for this variant to ClinVar. Based on the evidence outlined above, the variant was classified as uncertain significance.

NM_001190274.2(FBXO11):c.1819A>G (p.Ile607Val)

Gene: FBXO11 (F-box protein 11; minus strand). Cytogenetic location: 2p16.3.
Variant type: single nucleotide variant.
Coding change: c.1819A>G on transcript NM_001190274.2 (MANE Select); coding-DNA position 1819, A replaced by G.
Protein change: p.Ile607Val; replaces isoleucine 607 with valine.
Molecular consequence: missense variant.
Genome position (GRCh38, 1-based): chr2:47,819,057, T>C on the plus strand (A>G on the coding strand, the complement: FBXO11 is on the minus strand). VCF-style: chr2-47819057-T-C. GRCh37 (hg19) VCF-style: chr2-48046196-T-C.
Other names: c.1567A>G, p.Ile523Val (NM_001374325.1, NM_025133.4); short protein forms I523V, I607V.
Identifiers: ClinVar variation 3768909 (VCV003768909.1).